The following is an entry in ClinVar:

NM_001563.4(IMPG1):c.1287_1288insG (p.Pro430fs)

Gene: IMPG1 (interphotoreceptor matrix proteoglycan 1; minus strand). Cytogenetic location: 6q14.1.
Variant type: Insertion.
Coding change: c.1287_1288insG on transcript NM_001563.4 (MANE Select); coding-DNA positions 1287 to 1288, G inserted.
Protein change: p.Pro430fs; shifts the reading frame from proline 430.
Molecular consequence: frameshift variant.
Genome position: GRCh38 VCF-style: chr6-76002921-G-GC. GRCh37 (hg19) VCF-style: chr6-76712638-G-GC.
Other names: c.1053_1054insG, p.Pro352fs (NM_001282368.2); short protein forms P430fs, P352fs.
Identifiers: ClinVar variation 3544465 (VCV003544465.1).

ClinVar aggregate classification (germline): Uncertain significance (1 of 4 stars; one submission).

Conditions:
Retinitis pigmentosa (RP). Identifiers: Orphanet 791, MedGen C0035334, MeSH D012174, MONDO:0019200, OMIM 268000. Inheritance: Autosomal dominant, autosomal recessive and X linked inheritance.
Cone-rod dystrophy. Also called: Cone-rod degeneration; Cone/cone-rod dystrophy. Identifiers: Orphanet 1872, MedGen C4085590, MONDO:0015993, HP:0000548.

Submission:

Lab De Baere, Eye and Developmental Genetics Lab, Ghent University
Classification: Uncertain significance for Retinitis pigmentosa; Cone-rod dystrophy. Last evaluated: 2024-10-01. Review status: criteria provided, single submitter. Criteria: ACMG Guidelines, 2015. Collection method: research. Allele origin: inherited. Affected: yes. Observed: 1 variant allele.
Comment: ACMG/AMP guidelines: PM2, BP5, PVS1, BS4